The following is an entry in ClinVar:

NM_000124.4(ERCC6):c.111del (p.Asp38fs)

Gene: ERCC6 (ERCC excision repair 6, chromatin remodeling factor; minus strand). Cytogenetic location: 10q11.23.
Variant type: Deletion.
Coding change: c.111del on transcript NM_000124.4 (MANE Select); coding-DNA position 111, one base deleted (T; older notation c.111delT).
Protein change: p.Asp38fs; shifts the reading frame from aspartic acid 38.
Molecular consequence: frameshift variant.
Genome position (GRCh38, 1-based): chr10:49,532,854, A deleted on the plus strand (T on the coding strand, the reverse complement: ERCC6 is on the minus strand). VCF-style (leftmost placement, unchanged base first): chr10-49532853-CA-C. GRCh37 (hg19) VCF-style: chr10-50740899-CA-C.
Other names: c.111del, p.Asp38fs (NM_001277058.2, NM_001277059.2, NM_001346440.2); short protein forms D38fs.
Identifiers: ClinVar variation 1459936 (VCV001459936.6), dbSNP rs1837504550, ClinGen allele CA1908761191.

ClinVar aggregate classification (germline): Pathogenic (1 of 4 stars; one submission).

Allele frequency attached by ClinVar (database versions not stated): TOPMed below 0.00001.

Submission:

Labcorp Genetics (formerly Invitae), Labcorp
Classification: Pathogenic. Last evaluated: 2021-06-21. Review status: criteria provided, single submitter. Criteria: Invitae Variant Classification Sherloc (09022015). Collection method: clinical testing. Allele origin: germline.
Comment: This sequence change creates a premature translational stop signal (p.Asp38Metfs*46) in the ERCC6 gene. It is expected to result in an absent or disrupted protein product. Loss-of-function variants in ERCC6 are known to be pathogenic (PMID: 18628313, 29572252). This variant is not present in population databases (ExAC no frequency). This variant has not been reported in the literature in individuals with ERCC6-related conditions. For these reasons, this variant has been classified as Pathogenic.

Literature cited by the submitters: PubMed 18628313; PubMed 29572252.